The following is an entry in ClinVar:

NM_058195.4(CDKN2A):c.49C>T (p.Pro17Ser)

Gene: CDKN2A (cyclin dependent kinase inhibitor 2A; minus strand). Cytogenetic location: 9p21.3.
Variant type: single nucleotide variant.
Coding change: c.49C>T on transcript NM_058195.4 (MANE Plus Clinical); coding-DNA position 49, C replaced by T.
Protein change: p.Pro17Ser; replaces proline 17 with serine.
Molecular consequence: missense variant. On other transcripts: intron variant (1).
Genome position (GRCh38, 1-based): chr9:21,994,283, G>A on the plus strand (C>T on the coding strand, the complement: CDKN2A is on the minus strand). VCF-style: chr9-21994283-G-A. GRCh37 (hg19) VCF-style: chr9-21994282-G-A.
Other names: c.-4+538C>T (NM_001363763.2); short protein forms P17S.
Identifiers: ClinVar variation 655440 (VCV000655440.11), dbSNP rs3731190, ClinGen allele CA5012398.

ClinVar aggregate classification (germline): Uncertain significance. Review status: criteria provided, multiple submitters, no conflicts (2 of 4 stars). 3 submissions from 3 submitters: Uncertain significance (3). Last evaluated 2025-07-15.

Conditions:
Familial melanoma. Also called: Hereditary melanoma; Hereditary cutaneous melanoma. Identifiers: Orphanet 618, MedGen C1512419, MONDO:0018961.
Hereditary cancer-predisposing syndrome. Also called: Tumor predisposition; Hereditary neoplastic syndrome; Neoplastic Syndromes, Hereditary; Hereditary Cancer Syndrome. Identifiers: Orphanet 140162, MedGen C0027672, MeSH D009386, MONDO:0015356.
Melanoma and neural system tumor syndrome. Also called: MELANOMA-ASTROCYTOMA SYNDROME. Identifiers: Orphanet 252206, MedGen C1835042, MONDO:0007967, OMIM 155755.

Allele frequency attached by ClinVar (database versions not stated): gnomAD 0.00001; gnomAD exomes 0.00003 and 0.00001; ExAC 0.00004.
gnomAD v4.1: 13 of 1,603,884 alleles (0.00081%); highest among the groups gnomAD compares: South Asian, 0.012%; no homozygotes.

Submissions (3):

Ambry Genetics
Classification: Uncertain significance for Hereditary cancer-predisposing syndrome. Last evaluated: 2025-07-15. Review status: criteria provided, single submitter. Criteria: Ambry Variant Classification Scheme 2023. Collection method: clinical testing. Allele origin: germline.
Comment: The p.P17S variant (also known as c.49C>T), located in coding exon 1 of the CDKN2A (p14ARF) gene, results from a C to T substitution at nucleotide position 49. The proline at codon 17 is replaced by serine, an amino acid with similar properties. This amino acid position is well conserved in available vertebrate species. Based on the available evidence, the clinical significance of this variant remains unclear.

Baylor Genetics
Classification: Uncertain significance for Melanoma and neural system tumor syndrome. Last evaluated: 2023-07-20. Review status: criteria provided, single submitter. Criteria: ACMG Guidelines, 2015. Collection method: clinical testing. Allele origin: unknown.

Labcorp Genetics (formerly Invitae), Labcorp
Classification: Uncertain significance for Familial melanoma. Last evaluated: 2021-08-12. Review status: criteria provided, single submitter. Criteria: Invitae Variant Classification Sherloc (09022015). Collection method: clinical testing. Allele origin: germline.